The following is an entry in ClinVar:

ClinVar aggregate classification (germline): Uncertain significance (1 of 4 stars; one submission).

Conditions:
Myopathy, tubular aggregate, 2 (TAM2). Identifiers: MedGen C4014557, MONDO:0014383, OMIM 615883.
Combined immunodeficiency due to ORAI1 deficiency. Also called: IMMUNODEFICIENCY 9. Identifiers: Orphanet 169090, Orphanet 317428, MedGen C2748568, MONDO:0013007, OMIM 612782.

Allele frequency attached by ClinVar (database versions not stated): gnomAD exomes below 0.00001; gnomAD 0.00001; TOPMed 0.00001.

Submission:

Labcorp Genetics (formerly Invitae), Labcorp
Classification: Uncertain significance for Myopathy, tubular aggregate, 2; Combined immunodeficiency due to ORAI1 deficiency. Last evaluated: 2020-11-03. Review status: criteria provided, single submitter. Criteria: Invitae Variant Classification Sherloc (09022015). Collection method: clinical testing. Allele origin: germline.
Comment: This variant has not been reported in the literature in individuals with ORAI1-related conditions. In summary, the available evidence is currently insufficient to determine the role of this variant in disease. Therefore, it has been classified as a Variant of Uncertain Significance. Experimental studies and prediction algorithms are not available or were not evaluated, and the functional significance of this variant is currently unknown. This variant is not present in population databases (ExAC no frequency). This sequence change replaces arginine with glycine at codon 210 of the ORAI1 protein (p.Arg210Gly). The arginine residue is weakly conserved and there is a moderate physicochemical difference between arginine and glycine.

NC_000012.12:g.121641365A>G

Gene: ORAI1 (ORAI calcium release-activated calcium modulator 1; plus strand). Cytogenetic location: 12q24.31.
Variant type: single nucleotide variant.
Genome position: GRCh38 VCF-style: chr12-121641365-A-G. GRCh37 (hg19) VCF-style: chr12-122079271-A-G.
Other names: c.628A>G, p.Arg210Gly (NM_032790.4); short protein forms R210G.
Identifiers: ClinVar variation 1496307 (VCV001496307.6), dbSNP rs1440863247, ClinGen allele CA386983975.